The following is an entry in ClinVar:

ClinVar aggregate classification (germline): Uncertain significance (1 of 4 stars; one submission).

Conditions:
Hereditary cancer-predisposing syndrome. Also called: Neoplastic Syndromes, Hereditary; Tumor predisposition; Hereditary neoplastic syndrome; Hereditary Cancer Syndrome. Identifiers: Orphanet 140162, MedGen C0027672, MeSH D009386, MONDO:0015356.

Submission:

Ambry Genetics
Classification: Uncertain significance for Hereditary cancer-predisposing syndrome. Last evaluated: 2024-03-31. Review status: criteria provided, single submitter. Criteria: Ambry Variant Classification Scheme 2023. Collection method: clinical testing. Allele origin: germline.
Comment: The p.S1139G variant (also known as c.3415A>G), located in coding exon 28 of the POLE gene, results from an A to G substitution at nucleotide position 3415. The serine at codon 1139 is replaced by glycine, an amino acid with similar properties. This amino acid position is conserved. In addition, this alteration is predicted to be tolerated by in silico analysis. Based on the available evidence, the clinical significance of this alteration remains unclear.

NM_006231.4(POLE):c.3415A>G (p.Ser1139Gly)

Gene: POLE (DNA polymerase epsilon, catalytic subunit; minus strand). Cytogenetic location: 12q24.33.
Variant type: single nucleotide variant.
Coding change: c.3415A>G on transcript NM_006231.4 (MANE Select); coding-DNA position 3415, A replaced by G.
Protein change: p.Ser1139Gly; replaces serine 1139 with glycine.
Molecular consequence: missense variant.
Genome position (GRCh38, 1-based): chr12:132,657,393, T>C on the plus strand (A>G on the coding strand, the complement: POLE is on the minus strand). VCF-style: chr12-132657393-T-C. GRCh37 (hg19) VCF-style: chr12-133233979-T-C.
Other names: short protein forms S1139G.
Identifiers: ClinVar variation 3308367 (VCV003308367.1).